The following is an entry in ClinVar:

ClinVar aggregate classification (germline): Pathogenic (1 of 4 stars; one submission).

Conditions:
Lowe syndrome (OCRL). Also called: PHOSPHATIDYLINOSITOL 4,5-BISPHOSPHATE 5-PHOSPHATASE DEFICIENCY; Oculocerebrorenal Syndrome; LOWE OCULOCEREBRORENAL SYNDROME. Identifiers: Orphanet 534, MedGen C0028860, MONDO:0010645, OMIM 309000.

Submission:

Labcorp Genetics (formerly Invitae), Labcorp
Classification: Pathogenic for Lowe syndrome. Last evaluated: 2020-01-03. Review status: criteria provided, single submitter. Criteria: Invitae Variant Classification Sherloc (09022015). Collection method: clinical testing. Allele origin: germline.
Comment: This sequence change creates a premature translational stop signal (p.Val416Leufs*8) in the OCRL gene. It is expected to result in an absent or disrupted protein product. This variant is not present in population databases (ExAC no frequency). This variant has not been reported in the literature in individuals with OCRL-related conditions. Loss-of-function variants in OCRL are known to be pathogenic (PMID: 21031565, 22381590). For these reasons, this variant has been classified as Pathogenic.

Literature cited by the submitters: PubMed 21031565; PubMed 22381590.

NC_000023.11:g.129565773del

Gene: OCRL (OCRL inositol polyphosphate-5-phosphatase; plus strand). Cytogenetic location: Xq26.1.
Variant type: Deletion.
Genome position: GRCh38 VCF-style: chrX-129565770-AG-A. GRCh37 (hg19) VCF-style: chrX-128699747-AG-A.
Identifiers: ClinVar variation 1073892 (VCV001073892.3), dbSNP rs2124409486, ClinGen allele CA2499226360.